The following is an entry in ClinVar:

NM_001009944.3(PKD1):c.4465G>A (p.Ala1489Thr)

Gene: PKD1 (polycystin 1, transient receptor potential channel interacting; minus strand). Cytogenetic location: 16p13.3.
Variant type: single nucleotide variant.
Coding change: c.4465G>A on transcript NM_001009944.3 (MANE Select); coding-DNA position 4465, G replaced by A.
Protein change: p.Ala1489Thr; replaces alanine 1489 with threonine.
Molecular consequence: missense variant.
Genome position (GRCh38, 1-based): chr16:2,110,702, C>T on the plus strand (G>A on the coding strand, the complement: PKD1 is on the minus strand). VCF-style: chr16-2110702-C-T. GRCh37 (hg19) VCF-style: chr16-2160703-C-T.
Other names: c.4465G>A, p.Ala1489Thr (NM_000296.4); short protein forms A1489T.
Identifiers: ClinVar variation 1311032 (VCV001311032.2), dbSNP rs1434867748, ClinGen allele CA394379898.
Genomic context (GRCh38, chr16:2,110,702, plus strand): 5'-CGAGCCACCCACCGTCCCCCAGATCCCACAGGTAGCTGGCGGGGCGCCCACGGCCCACAG[C>T]AGAGAACAGGTACGGCTGCTGCAGCTCCAGCCCAAGGGAGCCATTGACCTTGATGCTGGT-3'
Protein context (NP_001009944.3, residues 1479-1499): LELQQPYLFS[Ala1489Thr]VGRGRPASYL

ClinVar aggregate classification (germline): Uncertain significance (1 of 4 stars; one submission).

Allele frequency attached by ClinVar (database versions not stated): gnomAD exomes below 0.00001; TOPMed below 0.00001.

Submission:

GeneDx
Classification: Uncertain significance. Last evaluated: 2019-12-30. Review status: criteria provided, single submitter. Criteria: GeneDx Variant Classification Process June 2021. Collection method: clinical testing. Allele origin: germline. Affected: yes.
Comment: Not observed at a significant frequency in large population cohorts (Lek et al., 2016); In silico analysis, which includes protein predictors and evolutionary conservation, supports that this variant does not alter protein structure/function; Has not been previously published as pathogenic or benign to our knowledge